The following is an entry in ClinVar:

NM_032737.4(LMNB2):c.473G>A (p.Arg158Gln)

Gene: LMNB2 (lamin B2; minus strand). Cytogenetic location: 19p13.3.
Variant type: single nucleotide variant.
Coding change: c.473G>A on transcript NM_032737.4 (MANE Select); coding-DNA position 473, G replaced by A.
Protein change: p.Arg158Gln; replaces arginine 158 with glutamine.
Molecular consequence: missense variant.
Genome position (GRCh38, 1-based): chr19:2,438,460, C>T on the plus strand (G>A on the coding strand, the complement: LMNB2 is on the minus strand). VCF-style: chr19-2438460-C-T. GRCh37 (hg19) VCF-style: chr19-2438458-C-T.
Other names: c.413G>A (NM_032737.2); short protein forms R158Q.
Identifiers: ClinVar variation 964436 (VCV000964436.10), dbSNP rs375613243, ClinGen allele CA403257796.

ClinVar aggregate classification (germline): Uncertain significance. Review status: criteria provided, multiple submitters, no conflicts (2 of 4 stars). 2 submissions from 2 submitters: Uncertain significance (2). Last evaluated 2025-12-16.

Conditions:
Progressive myoclonic epilepsy type 9. Identifiers: Orphanet 457265, MedGen C4225289, MONDO:0014685, OMIM 616540.
Lipodystrophy, partial, acquired, susceptibility to (APLD). Also called: APLD, SUSCEPTIBILITY TO. Identifiers: MedGen C3887501, MONDO:0100476, OMIM 608709.

Allele frequency attached by ClinVar (database versions not stated): gnomAD 0.00001 and 0.00003; TOPMed 0.00002.
gnomAD v4.1: 30 of 1,612,180 alleles (0.0019%); highest among the groups gnomAD compares: East Asian, 0.018%; no homozygotes.

Submissions (2):

Labcorp Genetics (formerly Invitae), Labcorp
Classification: Uncertain significance for Progressive myoclonic epilepsy type 9; Lipodystrophy, partial, acquired, susceptibility to. Last evaluated: 2025-12-16. Review status: criteria provided, single submitter. Criteria: Invitae Variant Classification Sherloc (09022015). Collection method: clinical testing. Allele origin: germline.
Comment: This sequence change replaces arginine, which is basic and polar, with glutamine, which is neutral and polar, at codon 158 of the LMNB2 protein (p.Arg158Gln). This variant is present in population databases (no rsID available, gnomAD 0.02%). This variant has not been reported in the literature in individuals affected with LMNB2-related conditions. ClinVar contains an entry for this variant (Variation ID: 964436). Invitae Evidence Modeling of protein sequence and biophysical properties (such as structural, functional, and spatial information, amino acid conservation, physicochemical variation, residue mobility, and thermodynamic stability) indicates that this missense variant is not expected to disrupt LMNB2 protein function with a negative predictive value of 80%. This variant disrupts the p. Arg158 amino acid residue in LMNB2. Other variant(s) that disrupt this residue have been observed in individuals with LMNB2-related conditions (PMID: 33783721, 34466237), which suggests that this may be a clinically significant amino acid residue. In summary, the available evidence is currently insufficient to determine the role of this variant in disease. Therefore, it has been classified as a Variant of Uncertain Significance.

Ambry Genetics
Classification: Uncertain significance. Last evaluated: 2025-02-07. Review status: criteria provided, single submitter. Criteria: Ambry Variant Classification Scheme 2023. Collection method: clinical testing. Allele origin: germline.

Literature cited by the submitters: PubMed 33783721 (cited by Labcorp Genetics (formerly Invitae), Labcorp); PubMed 34466237 (cited by Labcorp Genetics (formerly Invitae), Labcorp).